The following is an entry in ClinVar:

NM_005228.5(EGFR):c.1330A>C (p.Asn444His)

Gene: EGFR (epidermal growth factor receptor; plus strand). Cytogenetic location: 7p11.2.
Variant type: single nucleotide variant.
Coding change: c.1330A>C on transcript NM_005228.5 (MANE Select); coding-DNA position 1330, A replaced by C.
Protein change: p.Asn444His; replaces asparagine 444 with histidine.
Molecular consequence: missense variant.
Genome position (GRCh38, 1-based): chr7:55,160,170, A>C. VCF-style: chr7-55160170-A-C. GRCh37 (hg19) VCF-style: chr7-55227863-A-C.
Other names: c.1330A>C (NM_005228.3); c.1195A>C, p.Asn399His (NM_001346897.2, NM_001346899.2); c.1330A>C, p.Asn444His (NM_001346898.2, NM_201282.2, NM_201284.2); c.1171A>C, p.Asn391His (NM_001346900.2); c.529A>C, p.Asn177His (NM_001346941.2); short protein forms N177H, N391H, N399H, N444H.
Identifiers: ClinVar variation 1401083 (VCV001401083.7), dbSNP rs2128941355, ClinGen allele CA367579370.

ClinVar aggregate classification (germline): Uncertain significance. Review status: criteria provided, multiple submitters, no conflicts (2 of 4 stars). 2 submissions from 2 submitters: Uncertain significance (2). Last evaluated 2025-09-06.

Conditions:
EGFR-related lung cancer (EGFR). Identifiers: MedGen CN130014.
Hereditary cancer-predisposing syndrome. Also called: Hereditary Cancer Syndrome; Hereditary neoplastic syndrome; Tumor predisposition; Neoplastic Syndromes, Hereditary. Identifiers: Orphanet 140162, MedGen C0027672, MeSH D009386, MONDO:0015356.

Submissions (2):

Ambry Genetics
Classification: Uncertain significance for Hereditary cancer-predisposing syndrome. Last evaluated: 2025-09-06. Review status: criteria provided, single submitter. Criteria: Ambry Variant Classification Scheme 2023. Collection method: clinical testing. Allele origin: germline.
Comment: The p.N444H variant (also known as c.1330A>C), located in coding exon 12 of the EGFR gene, results from an A to C substitution at nucleotide position 1330. The asparagine at codon 444 is replaced by histidine, an amino acid with similar properties. This amino acid position is conserved. In addition, this alteration is predicted to be tolerated by in silico analysis. Based on the available evidence, the clinical significance of this variant remains unclear.

Labcorp Genetics (formerly Invitae), Labcorp
Classification: Uncertain significance for EGFR-related lung cancer. Last evaluated: 2021-08-17. Review status: criteria provided, single submitter. Criteria: Invitae Variant Classification Sherloc (09022015). Collection method: clinical testing. Allele origin: germline.
Comment: Algorithms developed to predict the effect of missense changes on protein structure and function (SIFT, PolyPhen-2, Align-GVGD) all suggest that this variant is likely to be tolerated. In summary, the available evidence is currently insufficient to determine the role of this variant in disease. Therefore, it has been classified as a Variant of Uncertain Significance. This variant has not been reported in the literature in individuals affected with EGFR-related conditions. This sequence change replaces asparagine with histidine at codon 444 of the EGFR protein (p.Asn444His). The asparagine residue is weakly conserved and there is a small physicochemical difference between asparagine and histidine. This variant is not present in population databases (ExAC no frequency).